The following is an entry in ClinVar:

NM_002972.4(SBF1):c.3227C>G (p.Pro1076Arg)

Gene: SBF1 (SET binding factor 1; minus strand). Cytogenetic location: 22q13.33.
Variant type: single nucleotide variant.
Coding change: c.3227C>G on transcript NM_002972.4 (MANE Select); coding-DNA position 3227, C replaced by G.
Protein change: p.Pro1076Arg; replaces proline 1076 with arginine.
Molecular consequence: missense variant.
Genome position (GRCh38, 1-based): chr22:50,460,328, G>C on the plus strand (C>G on the coding strand, the complement: SBF1 is on the minus strand). VCF-style: chr22-50460328-G-C. GRCh37 (hg19) VCF-style: chr22-50898757-G-C.
Other names: c.3227C>G (NM_002972.2); c.3230C>G, p.Pro1077Arg (NM_001365819.1); short protein forms P1076R, P1077R.
Identifiers: ClinVar variation 1487371 (VCV001487371.7), dbSNP rs756747334, ClinGen allele CA412206818.

ClinVar aggregate classification (germline): Uncertain significance. Review status: criteria provided, multiple submitters, no conflicts (2 of 4 stars). 2 submissions from 2 submitters: Uncertain significance (2). Last evaluated 2024-12-07.

gnomAD v4.1: 16 of 1,613,388 alleles (0.00099%); highest among the groups gnomAD compares: Non-Finnish European, 0.0013%; no homozygotes.

Submissions (2):

Ambry Genetics
Classification: Uncertain significance. Last evaluated: 2024-12-07. Review status: criteria provided, single submitter. Criteria: Ambry Variant Classification Scheme 2023. Collection method: clinical testing. Allele origin: germline.

Labcorp Genetics (formerly Invitae), Labcorp
Classification: Uncertain significance. Last evaluated: 2021-11-29. Review status: criteria provided, single submitter. Criteria: Invitae Variant Classification Sherloc (09022015). Collection method: clinical testing. Allele origin: germline.
Comment: This sequence change replaces proline, which is neutral and non-polar, with arginine, which is basic and polar, at codon 1076 of the SBF1 protein (p.Pro1076Arg). This variant is not present in population databases (gnomAD no frequency). This variant has not been reported in the literature in individuals affected with SBF1-related conditions. Algorithms developed to predict the effect of missense changes on protein structure and function are either unavailable or do not agree on the potential impact of this missense change (SIFT: "Tolerated"; PolyPhen-2: "Probably Damaging"; Align-GVGD: "Class C0"). In summary, the available evidence is currently insufficient to determine the role of this variant in disease. Therefore, it has been classified as a Variant of Uncertain Significance.